The following is an entry in ClinVar:

NM_000051.4(ATM):c.1565A>C (p.Glu522Ala)

Gene: ATM (ATM serine/threonine kinase; plus strand). Cytogenetic location: 11q22.3.
Variant type: single nucleotide variant.
Coding change: c.1565A>C on transcript NM_000051.4 (MANE Select); coding-DNA position 1565, A replaced by C.
Protein change: p.Glu522Ala; replaces glutamic acid 522 with alanine.
Molecular consequence: missense variant.
Genome position (GRCh38, 1-based): chr11:108,251,030, A>C. VCF-style: chr11-108251030-A-C. GRCh37 (hg19) VCF-style: chr11-108121757-A-C.
Other names: c.1565A>C, p.Glu522Ala (NM_001351834.2); short protein forms E522A.
Identifiers: ClinVar variation 3657961 (VCV003657961.2).

ClinVar aggregate classification (germline): Uncertain significance (1 of 4 stars; one submission).

Conditions:
Ataxia-telangiectasia syndrome (AT). Also called: LOUIS-BAR SYNDROME; Cerebello-oculocutaneous telangiectasia; Immunodeficiency with ataxia telangiectasia; ATAXIA-TELANGIECTASIA, COMPLEMENTATION GROUP A; ATAXIA-TELANGIECTASIA, FRESNO VARIANT; Ataxia-telangiectasia, complementation group D. Identifiers: Orphanet 100, MedGen C0004135, MONDO:0008840, OMIM 208900.

Submission:

Labcorp Genetics (formerly Invitae), Labcorp
Classification: Uncertain significance for Ataxia-telangiectasia syndrome. Last evaluated: 2024-06-26. Review status: criteria provided, single submitter. Criteria: Invitae Variant Classification Sherloc (09022015). Collection method: clinical testing. Allele origin: germline.
Comment: This sequence change replaces glutamic acid, which is acidic and polar, with alanine, which is neutral and non-polar, at codon 522 of the ATM protein (p.Glu522Ala). This variant is not present in population databases (gnomAD no frequency). This variant has not been reported in the literature in individuals affected with ATM-related conditions. An algorithm developed to predict the effect of missense changes on protein structure and function (PolyPhen-2) suggests that this variant is likely to be disruptive. In summary, the available evidence is currently insufficient to determine the role of this variant in disease. Therefore, it has been classified as a Variant of Uncertain Significance.